The following is an entry in ClinVar:

NM_138295.5(PKD1L1):c.1402+8G>A

Gene: PKD1L1 (polycystin 1 like 1, transient receptor potential channel interacting; minus strand). Cytogenetic location: 7p12.3.
Variant type: single nucleotide variant.
Coding change: c.1402+8G>A on transcript NM_138295.5 (MANE Select); 8 bases into the intron after coding-DNA position 1402, G replaced by A.
Molecular consequence: intron variant.
Genome position (GRCh38, 1-based): chr7:47,908,069, C>T on the plus strand (G>A on the coding strand, the complement: PKD1L1 is on the minus strand). VCF-style: chr7-47908069-C-T. GRCh37 (hg19) VCF-style: chr7-47947666-C-T.
Identifiers: ClinVar variation 3031237 (VCV003031237.4), dbSNP rs752365246, ClinGen allele CA4254066.
Genomic context (GRCh38, chr7:47,908,069, plus strand): 5'-AAAGCGGAGATACCCTGCTTCATTTATAGTTGAAGTGTGCTTGCTCAGACTCCAGACATA[C>T]GTCTTACTTTTCTGATTCACTTGGGAGTCAGCAAAGACAAGCACTTCATCTTCATGGACA-3'

ClinVar aggregate classification (germline): Likely benign. Review status: criteria provided, single submitter (1 of 4 stars). 2 submissions from 2 submitters: Likely benign (1). 1 of the submissions does not count toward it. Last evaluated 2024-06-13.

Conditions:
PKD1L1-related disorder. Also called: PKD1L1-related condition.

Allele frequency attached by ClinVar (database versions not stated): gnomAD exomes 0.00003; TOPMed 0.00003; gnomAD 0.00005; ExAC 0.00009.
gnomAD v4.1: 67 of 1,612,354 alleles (0.0042%); highest among the groups gnomAD compares: Middle Eastern, 0.018%; no homozygotes.

Submissions (2):

Labcorp Genetics (formerly Invitae), Labcorp
Classification: Likely benign. Last evaluated: 2024-06-13. Review status: criteria provided, single submitter. Criteria: Invitae Variant Classification Sherloc (09022015). Collection method: clinical testing. Allele origin: germline.

PreventionGenetics, part of Exact Sciences
Classification: Likely benign for PKD1L1-related condition. Last evaluated: 2023-04-11. Review status: no assertion criteria provided. Collection method: clinical testing. Allele origin: germline. Not counted in ClinVar's aggregate classification.
Comment: This variant is classified as likely benign based on ACMG/AMP sequence variant interpretation guidelines (Richards et al. 2015 PMID: 25741868, with internal and published modifications).